The following is an entry in ClinVar:

NM_001267550.2(TTN):c.38455G>A (p.Ala12819Thr)

Gene: TTN (titin; minus strand). Cytogenetic location: 2q31.2.
Variant type: single nucleotide variant.
Coding change: c.38455G>A on transcript NM_001267550.2 (MANE Select); coding-DNA position 38455, G replaced by A.
Protein change: p.Ala12819Thr; replaces alanine 12819 with threonine.
Molecular consequence: missense variant. On other transcripts: intron variant (5).
Genome position (GRCh38, 1-based): chr2:178,654,021, C>T on the plus strand (G>A on the coding strand, the complement: TTN is on the minus strand). VCF-style: chr2-178654021-C-T. GRCh37 (hg19) VCF-style: chr2-179518748-C-T.
Other names: c.13283-11704G>A (NM_003319.4); c.13859-11704G>A (NM_133437.4); c.13658-11704G>A (NM_133432.3); c.31742-1480G>A (NM_133378.4); c.34523-1480G>A (NM_001256850.1); short protein forms A12819T.
Identifiers: ClinVar variation 3025538 (VCV003025538.24), dbSNP rs747559925, ClinGen allele CA1997128.

ClinVar aggregate classification (germline): Conflicting classifications of pathogenicity. Review status: criteria provided, conflicting classifications (1 of 4 stars). 3 submissions from 3 submitters: Uncertain significance (1); Likely benign (1). 1 of the submissions does not count toward it. Last evaluated 2024-11-19.

Conditions:
TTN-related disorder. Also called: TTN-related condition; TTN-related disease; TTN-related disorders.

Allele frequency attached by ClinVar (database versions not stated): ExAC 0.00015; 1000 Genomes Project 30x 0.00062.

Submissions (3):

Blueprint Genetics
Classification: Likely benign. Last evaluated: 2024-11-19. Review status: criteria provided, single submitter. Criteria: ACMG Guidelines, 2015. Collection method: clinical testing. Allele origin: germline.

CeGaT Center for Human Genetics Tuebingen
Classification: Uncertain significance. Last evaluated: 2023-12-01. Review status: criteria provided, single submitter. Criteria: CeGaT Center For Human Genetics Tuebingen Variant Classification Criteria Version 2. Collection method: clinical testing. Allele origin: germline. Affected: yes. Observed: 1 variant allele.

PreventionGenetics, part of Exact Sciences
Classification: Likely benign for TTN-related condition. Last evaluated: 2021-05-05. Review status: no assertion criteria provided. Collection method: clinical testing. Allele origin: germline. Not counted in ClinVar's aggregate classification.
Comment: This variant is classified as likely benign based on ACMG/AMP sequence variant interpretation guidelines (Richards et al. 2015 PMID: 25741868, with internal and published modifications).